The following is an entry in ClinVar:

ClinVar aggregate classification (germline): Uncertain significance. Review status: criteria provided, multiple submitters, no conflicts (2 of 4 stars). 2 submissions from 2 submitters: Uncertain significance (2). Last evaluated 2024-08-02.

Conditions:
Inborn genetic diseases. Identifiers: MedGen C0950123, MeSH D030342.

Allele frequency attached by ClinVar (database versions not stated): gnomAD exomes below 0.00001; gnomAD 0.00001; TOPMed 0.00004.
gnomAD v4.1: 9 of 1,603,194 alleles (0.00056%); highest among the groups gnomAD compares: Admixed American, 0.0034%; no homozygotes.

Submissions (2):

Dasa
Classification: Uncertain significance. Last evaluated: 2024-08-02. Review status: criteria provided, single submitter. Criteria: DASA Assertion Criteria. Collection method: clinical testing. Allele origin: germline.
Comment: NM_003086.4(SNAPC4):c.1919G>A (p.Arg640Lys) is a missense variant that results in the substitution of arginine with lysine. This variant is rare in population databases. Computational prediction algorithms are consistent with a benign effect. The currently available literature and clinical evidence are not sufficient to establish a definitive association between this variant and the reported condition. Therefore, this variant is classified as a variant of uncertain significance.

Ambry Genetics
Classification: Uncertain significance for Inborn genetic diseases. Last evaluated: 2023-12-22. Review status: criteria provided, single submitter. Criteria: Ambry Variant Classification Scheme 2023. Collection method: clinical testing. Allele origin: germline.

NM_003086.4(SNAPC4):c.1919G>A (p.Arg640Lys)

Gene: SNAPC4 (small nuclear RNA activating complex polypeptide 4; minus strand). Cytogenetic location: 9q34.3.
Variant type: single nucleotide variant.
Coding change: c.1919G>A on transcript NM_003086.4 (MANE Select); coding-DNA position 1919, G replaced by A.
Protein change: p.Arg640Lys; replaces arginine 640 with lysine.
Molecular consequence: missense variant.
Genome position (GRCh38, 1-based): chr9:136,383,250, C>T on the plus strand (G>A on the coding strand, the complement: SNAPC4 is on the minus strand). VCF-style: chr9-136383250-C-T. GRCh37 (hg19) VCF-style: chr9-139277702-C-T.
Other names: c.1919G>A, p.Arg640Lys (NM_001394201.1, NM_001394202.1, NM_001394203.1); short protein forms R640K.
Identifiers: ClinVar variation 3166906 (VCV003166906.3), dbSNP rs888551622, ClinGen allele CA201587979.